The following is an entry in ClinVar:

NM_002471.4(MYH6):c.4721T>A (p.Ile1574Asn)

Genes: MYH6 (myosin heavy chain 6; minus strand), LOC126861896 (BRD4-independent group 4 enhancer GRCh37_chr14:23854904-23856103; plus strand). Cytogenetic location: 14q11.2.
Variant type: single nucleotide variant.
Coding change: c.4721T>A on transcript NM_002471.4 (MANE Select); coding-DNA position 4721, T replaced by A.
Protein change: p.Ile1574Asn; replaces isoleucine 1574 with asparagine.
Molecular consequence: missense variant.
Genome position (GRCh38, 1-based): chr14:23,386,553, A>T on the plus strand (T>A on the coding strand, the complement: MYH6 is on the minus strand). VCF-style: chr14-23386553-A-T. GRCh37 (hg19) VCF-style: chr14-23855762-A-T.
Other names: short protein forms I1574N.
Identifiers: ClinVar variation 470544 (VCV000470544.18), dbSNP rs199627411, ClinGen allele CA7114655.

ClinVar aggregate classification (germline): Uncertain significance. Review status: criteria provided, multiple submitters, no conflicts (2 of 4 stars). 3 submissions from 3 submitters: Uncertain significance (3). Last evaluated 2025-03-25.

Conditions:
Cardiovascular phenotype. Identifiers: MedGen CN230736.
Sick sinus syndrome 3, susceptibility to (SSS3). Identifiers: Orphanet 166282, MedGen C3279791, MONDO:0013568, OMIM 614090.
Atrial septal defect 3 (ASD3). Identifiers: Orphanet 1478, MedGen C3279790, MONDO:0013567, OMIM 614089.
Dilated cardiomyopathy 1EE (CMD1EE). Identifiers: Orphanet 154, MedGen C2750466, MONDO:0013198, OMIM 613252.
Hypertrophic cardiomyopathy 14. Identifiers: MedGen C2750467, MONDO:0013197, OMIM 613251.

Allele frequency attached by ClinVar (database versions not stated): ExAC 0.00001; gnomAD 0.00001; gnomAD exomes 0.00001 and 0.00003; TOPMed 0.00003; 1000 Genomes Project 30x 0.00016; 1000 Genomes Project 0.00020.
gnomAD v4.1: 18 of 1,613,338 alleles (0.0011%); highest among the groups gnomAD compares: East Asian, 0.038%; no homozygotes.

Submissions (3):

Ambry Genetics
Classification: Uncertain significance for Cardiovascular phenotype. Last evaluated: 2025-03-25. Review status: criteria provided, single submitter. Criteria: Ambry Variant Classification Scheme 2023. Collection method: clinical testing. Allele origin: germline.
Comment: The p.I1574N variant (also known as c.4721T>A), located in coding exon 31 of the MYH6 gene, results from a T to A substitution at nucleotide position 4721. The isoleucine at codon 1574 is replaced by asparagine, an amino acid with dissimilar properties. This amino acid position is well conserved in available vertebrate species. In addition, the in silico prediction for this alteration is inconclusive. Since supporting evidence is limited at this time, the clinical significance of this alteration remains unclear.

Labcorp Genetics (formerly Invitae), Labcorp
Classification: Uncertain significance for Hypertrophic cardiomyopathy 14. Last evaluated: 2021-03-11. Review status: criteria provided, single submitter. Criteria: Invitae Variant Classification Sherloc (09022015). Collection method: clinical testing. Allele origin: germline.
Comment: In summary, this variant is a rare missense change with uncertain impact on protein function. There is no indication that it causes disease, but the available evidence is currently insufficient to prove that conclusively. Therefore, it has been classified as a Variant of Uncertain Significance. Algorithms developed to predict the effect of missense changes on protein structure and function do not agree on the potential impact of this missense change (SIFT: "Deleterious"; PolyPhen-2: "Benign"; Align-GVGD: "Class C0"). This variant is present in population databases (rs199627411, ExAC 0.01%) but has not been reported in the literature in individuals with a MYH6-related disease. This sequence change replaces isoleucine with asparagine at codon 1574 of the MYH6 protein (p.Ile1574Asn). The isoleucine residue is weakly conserved and there is a large physicochemical difference between isoleucine and asparagine.

Juno Genomics, Hangzhou Juno Genomics, Inc
Classification: Uncertain significance for Sick sinus syndrome 3, susceptibility to; Atrial septal defect 3; Dilated cardiomyopathy 1EE; Hypertrophic cardiomyopathy 14. Review status: criteria provided, single submitter. Criteria: ACMG Guidelines, 2015. Collection method: clinical testing. Allele origin: germline.
Comment: Absent from controls (or at extremely low frequency if recessive) in Genome Aggregation Database.;Missense variant in a gene that has a low rate of benign missense variation.